The following is an entry in ClinVar:

NM_000051.4(ATM):c.5210_5212delinsGT (p.Leu1737fs)

Gene: ATM (ATM serine/threonine kinase; plus strand). Cytogenetic location: 11q22.3.
Variant type: Indel.
Coding change: c.5210_5212delinsGT on transcript NM_000051.4 (MANE Select); coding-DNA positions 5210 to 5212, TGA replaced by GT.
Protein change: p.Leu1737fs; shifts the reading frame from leucine 1737.
Molecular consequence: frameshift variant.
Genome position (GRCh38, 1-based): chr11:108,301,680-108,301,682, TGA replaced by GT. VCF-style: chr11-108301680-TGA-GT. GRCh37 (hg19) VCF-style: chr11-108172407-TGA-GT.
Other names: c.5210_5212delinsGT, p.Leu1737fs (NM_001351834.2); short protein forms L1737fs.
Identifiers: ClinVar variation 825551 (VCV000825551.5), dbSNP rs1591708568, ClinGen allele CA915947626.

ClinVar aggregate classification (germline): Pathogenic (1 of 4 stars; one submission).

Conditions:
Hereditary cancer-predisposing syndrome. Also called: Neoplastic Syndromes, Hereditary; Tumor predisposition; Hereditary neoplastic syndrome; Hereditary Cancer Syndrome. Identifiers: Orphanet 140162, MedGen C0027672, MeSH D009386, MONDO:0015356.

Submission:

Ambry Genetics
Classification: Pathogenic for Hereditary cancer-predisposing syndrome. Last evaluated: 2025-01-30. Review status: criteria provided, single submitter. Criteria: Ambry Variant Classification Scheme 2023. Collection method: clinical testing. Allele origin: germline.
Comment: The c.5210_5212delTGAinsGT pathogenic mutation, located in coding exon 34 of the ATM gene, results from the deletion of 3 nucleotides and insertion of two nucleotides causing a translational frameshift with a predicted alternate stop codon (p.L1737Cfs*5). This variant is considered to be rare based on population cohorts in the Genome Aggregation Database (gnomAD). This alteration is expected to result in loss of function by premature protein truncation or nonsense-mediated mRNA decay. As such, this alteration is interpreted as a disease-causing mutation.